The following is an entry in ClinVar:

NM_006210.3(PEG3):c.4227T>C (p.Ala1409=)

Genes: PEG3 (paternally expressed 3; minus strand), ZIM2 (zinc finger imprinted 2; minus strand). Cytogenetic location: 19q13.43.
Variant type: single nucleotide variant.
Coding change: c.4227T>C on transcript NM_006210.3 (MANE Select); coding-DNA position 4227, T replaced by C.
Protein change: p.Ala1409=; no amino-acid change (alanine 1409 retained).
Molecular consequence: synonymous variant. On other transcripts: intron variant (11).
Genome position (GRCh38, 1-based): chr19:56,814,215, A>G on the plus strand (T>C on the coding strand, the complement: PEG3 is on the minus strand). VCF-style: chr19-56814215-A-G. GRCh37 (hg19) VCF-style: chr19-57325583-A-G.
Other names: c.4227T>C, p.Ala1409= (NM_001146184.2); c.3849T>C, p.Ala1283= (NM_001146185.2); c.3855T>C, p.Ala1285= (NM_001146187.2, NM_001369720.1, NM_001369721.1 and 13 more transcripts); c.4233T>C, p.Ala1411= (NM_001369717.1, NM_001369718.1); c.4140T>C, p.Ala1380= (NM_001369719.1); c.3762T>C, p.Ala1254= (NM_001369734.1, NM_001369735.1, NM_001369736.1 and 2 more transcripts); c.397+4385T>C (NM_015363.5, NM_001387358.1, NM_001146326.2 and 5 more transcripts); c.490+3531T>C (NM_001369774.1, NM_001369773.1, NM_001387356.1).
Identifiers: ClinVar variation 3898085 (VCV003898085.7).
Genomic context (GRCh38, chr19:56,814,215, plus strand): 5'-AGCCTCTCCATCTGGCCCTTCAGCCTCTCCGTTTGGCTCAGCAGCCTCCACTTCTGGCTC[A>G]GCAGCCTCCACTTCTGGCTCGGCAGCCTCCACTTCTGGCTCAGCAGCCTCTACGTTTAAG-3'
Protein context (NP_006201.1, residues 1399-1419): VEAAEPEVEA[Ala1409=]EPEVEAAEPN

ClinVar aggregate classification (germline): Likely benign (1 of 4 stars; one submission).

gnomAD v4.1: 419 of 1,612,148 alleles (0.026%); highest among the groups gnomAD compares: Non-Finnish European, 0.033%; 1 homozygote.

Submission:

CeGaT Center for Human Genetics Tuebingen
Classification: Likely benign. Last evaluated: 2025-04-01. Review status: criteria provided, single submitter. Criteria: CeGaT Center For Human Genetics Tuebingen Variant Classification Criteria Version 2. Collection method: clinical testing. Allele origin: germline. Affected: yes. Observed: 1 variant allele.
Comment: PEG3: BP4, BP7